The following is an entry in ClinVar:

ClinVar aggregate classification (germline): Uncertain significance (1 of 4 stars; one submission).

Conditions:
Fanconi anemia (FA). Also called: Fanconi's anemia. Identifiers: Orphanet 84, MedGen C0015625, MeSH D005199, MONDO:0019391.

Submission:

Labcorp Genetics (formerly Invitae), Labcorp
Classification: Uncertain significance for Fanconi anemia. Last evaluated: 2023-10-04. Review status: criteria provided, single submitter. Criteria: Invitae Variant Classification Sherloc (09022015). Collection method: clinical testing. Allele origin: germline.
Comment: This sequence change replaces tyrosine, which is neutral and polar, with serine, which is neutral and polar, at codon 367 of the FANCG protein (p.Tyr367Ser). This variant is not present in population databases (gnomAD no frequency). This variant has not been reported in the literature in individuals affected with FANCG-related conditions. Advanced modeling of protein sequence and biophysical properties (such as structural, functional, and spatial information, amino acid conservation, physicochemical variation, residue mobility, and thermodynamic stability) performed at Invitae indicates that this missense variant is expected to disrupt FANCG protein function. In summary, the available evidence is currently insufficient to determine the role of this variant in disease. Therefore, it has been classified as a Variant of Uncertain Significance.

NM_004629.2(FANCG):c.1100A>C (p.Tyr367Ser)

Gene: FANCG (FA complementation group G; minus strand). Cytogenetic location: 9p13.3.
Variant type: single nucleotide variant.
Coding change: c.1100A>C on transcript NM_004629.2 (MANE Select); coding-DNA position 1100, A replaced by C.
Protein change: p.Tyr367Ser; replaces tyrosine 367 with serine.
Molecular consequence: missense variant.
Genome position (GRCh38, 1-based): chr9:35,076,005, T>G on the plus strand (A>C on the coding strand, the complement: FANCG is on the minus strand). VCF-style: chr9-35076005-T-G. GRCh37 (hg19) VCF-style: chr9-35076002-T-G.
Other names: short protein forms Y367S.
Identifiers: ClinVar variation 2966648 (VCV002966648.3), dbSNP rs746613002, ClinGen allele CA373310229.